The following is an entry in ClinVar:

NM_005476.7(GNE):c.*2269C>T

Gene: GNE (glucosamine (UDP-N-acetyl)-2-epimerase/N-acetylmannosamine kinase; minus strand). Cytogenetic location: 9p13.3.
Variant type: single nucleotide variant.
Coding change: c.*2269C>T on transcript NM_005476.7 (MANE Select); 2269 bases downstream of the stop codon, C replaced by T.
Molecular consequence: 3 prime UTR variant.
Genome position (GRCh38, 1-based): chr9:36,215,096, G>A on the plus strand (C>T on the coding strand, the complement: GNE is on the minus strand). VCF-style: chr9-36215096-G-A. GRCh37 (hg19) VCF-style: chr9-36215093-G-A.
Other names: c.*2269C>T (NM_001128227.3, NM_001190383.3, NM_001190384.3 and 3 more transcripts).
Identifiers: ClinVar variation 366805 (VCV000366805.6), dbSNP rs575299401, ClinGen allele CA10633650.
Genomic context (GRCh38, chr9:36,215,096, plus strand): 5'-TCACTAGGGCCAGGTGTGATGGCTTACACCTGTAATCCCAGCACTTTGGGAGGCAGAGGC[G>A]GGCGGATCACCTGAGGTCAGGAGTTCAAGACCAGCCTGGCCAACATGGTGAAACCCTGTC-3'

ClinVar aggregate classification (germline): Likely benign (1 of 4 stars; one submission).

Conditions:
Sialuria. Also called: SIALURIA, FRENCH TYPE; Sialic Acid Storage Disease. Identifiers: Orphanet 3166, MedGen C0342853, MONDO:0010028, OMIM 269921.

Allele frequency attached by ClinVar (database versions not stated): gnomAD 0.00014 and 0.00015; TOPMed 0.00016; 1000 Genomes Project 30x 0.00031; 1000 Genomes Project 0.00040.

Submission:

Illumina Laboratory Services, Illumina
Classification: Likely benign for Sialuria. Last evaluated: 2017-04-27. Review status: criteria provided, single submitter. Criteria: ICSL Variant Classification Criteria 13 December 2019. Collection method: clinical testing. Allele origin: germline.
Comment: This variant was observed as part of a predisposition screen in an ostensibly healthy population. A literature search was performed for the gene, cDNA change, and amino acid change (where applicable). No publications were found based on this search. Allele frequency data from public databases allowed determination this variant is unlikely to cause disease. Therefore, this variant is classified as likely benign.